The following is an entry in ClinVar:

NM_002691.4(POLD1):c.1243-14C>G

Gene: POLD1 (DNA polymerase delta 1, catalytic subunit; plus strand). Cytogenetic location: 19q13.33.
Variant type: single nucleotide variant.
Coding change: c.1243-14C>G on transcript NM_002691.4 (MANE Select); 14 bases into the intron before coding-DNA position 1243, C replaced by G.
Molecular consequence: intron variant.
Genome position (GRCh38, 1-based): chr19:50,406,168, C>G. VCF-style: chr19-50406168-C-G. GRCh37 (hg19) VCF-style: chr19-50909425-C-G.
Other names: c.1243-14C>G (LRG_785t1, LRG_785t2, NM_001256849.1 and 1 more transcripts).
Identifiers: ClinVar variation 387157 (VCV000387157.12), dbSNP rs3218762, ClinGen allele CA9596090.

ClinVar aggregate classification (germline): Benign/Likely benign. Review status: criteria provided, multiple submitters, no conflicts (2 of 4 stars). 4 submissions from 4 submitters: Benign (1); Likely benign (3). Last evaluated 2026-01-29.

Conditions:
Hereditary cancer-predisposing syndrome. Also called: Neoplastic Syndromes, Hereditary; Hereditary neoplastic syndrome; Hereditary Cancer Syndrome; Tumor predisposition. Identifiers: Orphanet 140162, MedGen C0027672, MeSH D009386, MONDO:0015356.
POLD1-related polyposis and colorectal cancer syndrome (CRCS10). Also called: Colorectal cancer, susceptibility to, 10; Colorectal cancer 10; COLORECTAL CANCER, SUSCEPTIBILITY TO, ON CHROMOSOME 19q. Identifiers: Orphanet 220460, MedGen C2675481, MONDO:0012953, OMIM 612591.

Allele frequency attached by ClinVar (database versions not stated): gnomAD exomes 0.00004; ExAC 0.00007; TOPMed 0.00011; gnomAD 0.00015 and 0.00016; 1000 Genomes Project 30x 0.00016; 1000 Genomes Project 0.00020.
gnomAD v4.1: 55 of 1,609,640 alleles (0.0034%); highest among the groups gnomAD compares: African/African-American, 0.028%; no homozygotes.

Submissions (5):

Labcorp Genetics (formerly Invitae), Labcorp
Classification: Likely benign for POLD1-related polyposis and colorectal cancer syndrome. Last evaluated: 2026-01-29. Review status: criteria provided, single submitter. Criteria: Invitae Variant Classification Sherloc (09022015). Collection method: clinical testing. Allele origin: germline.

Molecular Diagnostics Laboratory, Catalan Institute of Oncology
Classification: Benign for Hereditary cancer-predisposing syndrome. Last evaluated: 2024-09-19. Review status: criteria provided, single submitter. Criteria: Submitter's publication. Collection method: clinical testing. Allele origin: germline.
Comment: BA1, BP4 POLD1 c.1243-14C>G is an intronic variant located close to a canonical splice site. This variant is found in 7/23560 alleles at a frequency of 0.029% in the gnomAD v2.1.1 database, African non-cancer dataset (BA1). The SpliceAI algorithm predicts no significant impact on splicing (BP4). To our knowledge, neither relevant clinical data nor well-established functional studies have been reported for this variant. The variant is present in ClinVar database (2x likely benign) and LOVD database (1x likely benign). Based on currently available information, the variant c.1243-14C>G is classified as a benign variant according to ACMG guidelines.

Blueprint Genetics
Classification: Likely benign. Last evaluated: 2023-08-28. Review status: criteria provided, single submitter. Criteria: ACMG Guidelines, 2015. Collection method: clinical testing. Allele origin: germline.

GeneDx
Classification: Likely benign. Last evaluated: 2016-06-20. Review status: criteria provided, single submitter. Criteria: GeneDx Variant Classification (06012015). Collection method: clinical testing. Allele origin: germline. Affected: yes.
Comment: This variant is considered likely benign or benign based on one or more of the following criteria: it is a conservative change, it occurs at a poorly conserved position in the protein, it is predicted to be benign by multiple in silico algorithms, and/or has population frequency not consistent with disease.

Dr. Peter K. Rogan Lab, Western University
No classification provided (evidence only). Condition: Uterine corpus endometrial carcinoma. Review status: no classification provided. Collection method: in vitro. Allele origin: not applicable. Functional consequence: retained intron. Not counted in ClinVar's aggregate classification.